The following is an entry in ClinVar:

NM_016333.4(SRRM2):c.2693G>A (p.Arg898Lys)

Gene: SRRM2 (serine/arginine repetitive matrix 2; plus strand). Cytogenetic location: 16p13.3.
Variant type: single nucleotide variant.
Coding change: c.2693G>A on transcript NM_016333.4 (MANE Select); coding-DNA position 2693, G replaced by A.
Protein change: p.Arg898Lys; replaces arginine 898 with lysine.
Molecular consequence: missense variant.
Genome position (GRCh38, 1-based): chr16:2,763,221, G>A. VCF-style: chr16-2763221-G-A. GRCh37 (hg19) VCF-style: chr16-2813222-G-A.
Other names: short protein forms R898K.
Identifiers: ClinVar variation 4075631 (VCV004075631.1).

ClinVar aggregate classification (germline): Uncertain significance (1 of 4 stars; one submission).

Submission:

GeneDx
Classification: Uncertain significance. Last evaluated: 2025-02-18. Review status: criteria provided, single submitter. Criteria: GeneDx Variant Classification Process June 2021. Collection method: clinical testing. Allele origin: germline. Affected: yes.
Comment: Not observed at significant frequency in large population cohorts (gnomAD); In silico analysis indicates that this missense variant does not alter protein structure/function; Has not been previously published as pathogenic or benign to our knowledge